The following is an entry in ClinVar:

ClinVar aggregate classification (germline): Conflicting classifications of pathogenicity. Review status: criteria provided, conflicting classifications (1 of 4 stars). 8 submissions from 8 submitters: Uncertain significance (4); Likely benign (3). 1 of the submissions does not count toward it. Last evaluated 2026-01-28.

Conditions:
CRB2-related disorder. Also called: CRB2-related disorders; CRB2-related condition.
Inborn genetic diseases. Identifiers: MedGen C0950123, MeSH D030342.
Focal segmental glomerulosclerosis 9 (FSGS9). Identifiers: Orphanet 656, MedGen C4015555, MONDO:0014539, OMIM 616220.
Immunodeficiency, common variable, 7. Identifiers: Orphanet 1572, Orphanet 696894, MedGen C3542922, MONDO:0013862, OMIM 614699.

Allele frequency attached by ClinVar (database versions not stated): ExAC 0.00052; 1000 Genomes Project 0.00100; 1000 Genomes Project 30x 0.00125.

Submissions (8):

Labcorp Genetics (formerly Invitae), Labcorp
Classification: Likely benign. Last evaluated: 2026-01-28. Review status: criteria provided, single submitter. Criteria: Invitae Variant Classification Sherloc (09022015). Collection method: clinical testing. Allele origin: germline.

Johns Hopkins Genomics, Johns Hopkins University
Classification: Likely benign for Immunodeficiency, common variable, 7. Last evaluated: 2025-03-10. Review status: criteria provided, single submitter. Criteria: ACMG Guidelines, 2015. Collection method: clinical testing. Allele origin: germline.
Comment: This variant is classified as likely benign (PM2, BS2_supporting, BP4).

GeneDx
Classification: Uncertain significance. Last evaluated: 2023-08-15. Review status: criteria provided, single submitter. Criteria: GeneDx Variant Classification Process June 2021. Collection method: clinical testing. Allele origin: germline. Affected: yes.
Comment: Reported with a second variant (phase unknown) in a patient with nephropathy in published literature (Larsen et al., 2016); In silico analysis supports that this missense variant does not alter protein structure/function; This variant is associated with the following publications: (PMID: 26795916)

Mayo Clinic Laboratories, Mayo Clinic
Classification: Uncertain significance. Last evaluated: 2023-03-31. Review status: criteria provided, single submitter. Criteria: ACMG Guidelines, 2015. Collection method: clinical testing. Allele origin: germline. Observed: 2 variant alleles.
Comment: BS1

Ambry Genetics
Classification: Likely benign for Inborn genetic diseases. Last evaluated: 2022-05-20. Review status: criteria provided, single submitter. Criteria: Ambry Variant Classification Scheme 2023. Collection method: clinical testing. Allele origin: germline.

Revvity Omics, Revvity
Classification: Uncertain significance. Last evaluated: 2022-03-02. Review status: criteria provided, single submitter. Criteria: ACMG Guidelines, 2015. Collection method: clinical testing. Allele origin: germline.

Molecular Diagnostics Lab, Nemours Children's Health, Delaware
Classification: Uncertain significance for Focal segmental glomerulosclerosis 9. Last evaluated: 2021-08-10. Review status: criteria provided, single submitter. Criteria: ACMG Guidelines, 2015. Collection method: clinical testing. Allele origin: unknown. Inheritance: Autosomal recessive inheritance. Affected: yes. Observed: 1 heterozygote.
Comment: This missense variant (c.3373G>T, p.Gly1125Trp) has been observed at extremely low frequency in population databases (gnomAD) and has not been reported in the literature. Variant prediction programs do not show agreement regarding the effect of this variant. Insufficient evidence exists to classify this change, therefore its significance is uncertain.

PreventionGenetics, part of Exact Sciences
Classification: Likely benign for CRB2-related condition. Last evaluated: 2021-09-13. Review status: no assertion criteria provided. Collection method: clinical testing. Allele origin: germline. Not counted in ClinVar's aggregate classification.
Comment: This variant is classified as likely benign based on ACMG/AMP sequence variant interpretation guidelines (Richards et al. 2015 PMID: 25741868, with internal and published modifications).

Literature cited by the submitters: PubMed 15851977 (cited by Johns Hopkins Genomics, Johns Hopkins University); PubMed 26795916 (cited by Johns Hopkins Genomics, Johns Hopkins University and Mayo Clinic Laboratories, Mayo Clinic).

NM_173689.7(CRB2):c.3373G>T (p.Gly1125Trp)

Gene: CRB2 (crumbs cell polarity complex component 2; plus strand). Cytogenetic location: 9q33.3.
Variant type: single nucleotide variant.
Coding change: c.3373G>T on transcript NM_173689.7 (MANE Select); coding-DNA position 3373, G replaced by T.
Protein change: p.Gly1125Trp; replaces glycine 1125 with tryptophan.
Molecular consequence: missense variant. On other transcripts: non-coding transcript variant (1).
Genome position (GRCh38, 1-based): chr9:123,373,904, G>T. VCF-style: chr9-123373904-G-T. GRCh37 (hg19) VCF-style: chr9-126136183-G-T.
Other names: p.Gly1125Trp; c.3373G>T (NM_173689.5, NM_173689.6); short protein forms G1125W.
Identifiers: ClinVar variation 1642786 (VCV001642786.19), dbSNP rs543547663, ClinGen allele CA5232429.
Genomic context (GRCh38, chr9:123,373,904, plus strand): 5'-CGTGGCCGCTGTCACACGCACCCCGACGGCCGCTTCGAGTGCCGCTGCCCGCCTGGCTTC[G>T]GGGGCCCGCGCTGCAGGTGGGATGGCTGGGCAGGGGGGTGGGCTGCGAATGCCCCCTGGG-3'
Protein context (NP_775960.4, residues 1115-1135): RFECRCPPGF[Gly1125Trp]GPRCRLPVPS